The following is an entry in ClinVar:

ClinVar aggregate classification (germline): Uncertain significance (1 of 4 stars; one submission).

Submission:

GeneDx
Classification: Uncertain significance. Last evaluated: 2026-02-05. Review status: criteria provided, single submitter. Criteria: GeneDx Variant Classification Process June 2021. Collection method: clinical testing. Allele origin: germline.
Comment: Not observed at significant frequency in large population cohorts (gnomAD); In silico analysis suggests that this missense variant does not alter protein structure/function; Has not been previously published as pathogenic or benign to our knowledge

NM_015015.3(KDM4B):c.2047T>C (p.Tyr683His)

Gene: KDM4B (lysine demethylase 4B; plus strand). Cytogenetic location: 19p13.3.
Variant type: single nucleotide variant.
Coding change: c.2047T>C on transcript NM_015015.3 (MANE Select); coding-DNA position 2047, T replaced by C.
Protein change: p.Tyr683His; replaces tyrosine 683 with histidine.
Molecular consequence: missense variant.
Genome position (GRCh38, 1-based): chr19:5,134,023, T>C. VCF-style: chr19-5134023-T-C. GRCh37 (hg19) VCF-style: chr19-5134034-T-C.
Other names: c.2149T>C, p.Tyr717His (NM_001411148.1); short protein forms Y683H, Y717H.
Identifiers: ClinVar variation 4975796 (VCV004975796.1).
Genomic context (GRCh38, chr19:5,134,023, plus strand): 5'-AGGGCGGCCAGCTTCCAGGCCGAGAGGAAGTTCAACGCAGCGGCTGCGCGCACGGAGCCC[T>C]ACTGCGCCATCTGCACGCTCTTCTACCCCTACTGCCAGGTGGGCAGGCGGGCCTCACGGG-3'
Protein context (NP_055830.1, residues 673-693): FNAAAARTEP[Tyr683His]CAICTLFYPY